The following is an entry in ClinVar:

NM_005045.4(RELN):c.1892G>A (p.Gly631Glu)

Gene: RELN (reelin; minus strand). Cytogenetic location: 7q22.1.
Variant type: single nucleotide variant.
Coding change: c.1892G>A on transcript NM_005045.4 (MANE Select); coding-DNA position 1892, G replaced by A.
Protein change: p.Gly631Glu; replaces glycine 631 with glutamic acid.
Molecular consequence: missense variant.
Genome position (GRCh38, 1-based): chr7:103,651,661, C>T on the plus strand (G>A on the coding strand, the complement: RELN is on the minus strand). VCF-style: chr7-103651661-C-T. GRCh37 (hg19) VCF-style: chr7-103292108-C-T.
Other names: c.1892G>A, p.Gly631Glu (NM_173054.3); short protein forms G631E.
Identifiers: ClinVar variation 95214 (VCV000095214.10), dbSNP rs398124190, ClinGen allele CA222812.

ClinVar aggregate classification (germline): Uncertain significance. Review status: criteria provided, multiple submitters, no conflicts (2 of 4 stars). 3 submissions from 3 submitters: Uncertain significance (3). Last evaluated 2024-04-10.

Conditions:
Norman-Roberts syndrome (LIS2). Also called: Lissencephaly 2 (Norman-Roberts type). Identifiers: Orphanet 89844, MedGen C0796089, MONDO:0009760, OMIM 257320.
Familial temporal lobe epilepsy 7. Identifiers: Orphanet 101046, MedGen C4225327, MONDO:0014639, OMIM 616436.

Allele frequency attached by ClinVar (database versions not stated): TOPMed below 0.00001; gnomAD 0.00001; gnomAD exomes below 0.00001.
gnomAD v4.1: 6 of 1,610,788 alleles (0.00037%); highest among the groups gnomAD compares: Non-Finnish European, 0.00051%; no homozygotes.

Submissions (3):

Blueprint Genetics
Classification: Uncertain significance. Last evaluated: 2024-04-10. Review status: criteria provided, single submitter. Criteria: ACMG Guidelines, 2015. Collection method: clinical testing. Allele origin: germline.

Labcorp Genetics (formerly Invitae), Labcorp
Classification: Uncertain significance for Familial temporal lobe epilepsy 7; Norman-Roberts syndrome. Last evaluated: 2023-06-05. Review status: criteria provided, single submitter. Criteria: Invitae Variant Classification Sherloc (09022015). Collection method: clinical testing. Allele origin: germline.
Comment: An algorithm developed to predict the effect of missense changes on protein structure and function (PolyPhen-2) suggests that this variant is likely to be disruptive. ClinVar contains an entry for this variant (Variation ID: 95214). This variant has not been reported in the literature in individuals affected with RELN-related conditions. This variant is not present in population databases (gnomAD no frequency). This sequence change replaces glycine, which is neutral and non-polar, with glutamic acid, which is acidic and polar, at codon 631 of the RELN protein (p.Gly631Glu). This variant also falls at the last nucleotide of exon 15, which is part of the consensus splice site for this exon. Variants that disrupt the consensus splice site are a relatively common cause of aberrant splicing (PMID: 17576681, 9536098). Algorithms developed to predict the effect of sequence changes on RNA splicing suggest that this variant may create or strengthen a splice site. In summary, the available evidence is currently insufficient to determine the role of this variant in disease. Therefore, it has been classified as a Variant of Uncertain Significance.

Eurofins Ntd Llc (ga)
Classification: Uncertain significance. Last evaluated: 2013-04-02. Review status: criteria provided, single submitter. Criteria: EGL Classification Definitions 2015. Collection method: clinical testing. Allele origin: germline. Observed: 1 variant allele, 1 heterozygote.

Literature cited by the submitters: PubMed 17576681 (cited by Labcorp Genetics (formerly Invitae), Labcorp); PubMed 9536098 (cited by Labcorp Genetics (formerly Invitae), Labcorp).